The following is an entry in ClinVar:

ClinVar aggregate classification (germline): Uncertain significance (0 of 4 stars; one submission).

Conditions:
TBX3-related disorder. Also called: TBX3-related condition.

gnomAD v4.1: 1 of 1,517,960 alleles (0.000066%); highest among the groups gnomAD compares: African/African-American, 0.0014%; no homozygotes.

Submission:

PreventionGenetics, part of Exact Sciences
Classification: Uncertain significance for TBX3-related condition. Last evaluated: 2024-05-15. Review status: no assertion criteria provided. Collection method: clinical testing. Allele origin: germline.
Comment: The TBX3 c.1438G>A variant is predicted to result in the amino acid substitution p.Ala480Thr. To our knowledge, this variant has not been reported in the literature or in a large population database, indicating this variant is rare. At this time, the clinical significance of this variant is uncertain due to the absence of conclusive functional and genetic evidence.

NM_005996.4(TBX3):c.1378G>A (p.Ala460Thr)

Gene: TBX3 (T-box transcription factor 3; minus strand). Cytogenetic location: 12q24.21.
Variant type: single nucleotide variant.
Coding change: c.1378G>A on transcript NM_005996.4 (MANE Select); coding-DNA position 1378, G replaced by A.
Protein change: p.Ala460Thr; replaces alanine 460 with threonine.
Molecular consequence: missense variant.
Genome position (GRCh38, 1-based): chr12:114,674,497, C>T on the plus strand (G>A on the coding strand, the complement: TBX3 is on the minus strand). VCF-style: chr12-114674497-C-T. GRCh37 (hg19) VCF-style: chr12-115112302-C-T.
Other names: c.1438G>A, p.Ala480Thr (NM_016569.4); short protein forms A460T, A480T.
Identifiers: ClinVar variation 3346899 (VCV003346899.1).